The following is an entry in ClinVar:

ClinVar aggregate classification (germline): Benign. Review status: criteria provided, multiple submitters, no conflicts (2 of 4 stars). 2 submissions from 2 submitters: Benign (2). Last evaluated 2024-07-15.

Allele frequency attached by ClinVar (database versions not stated): 1000 Genomes Project 0.06889; 1000 Genomes Project 30x 0.07121; TOPMed 0.11486; gnomAD 0.12150 and 0.12344.
gnomAD v4.1: 185,586 of 1,233,650 alleles (15%); highest among the groups gnomAD compares: Admixed American, 18%; 15,685 homozygotes.

Submissions (2):

Unidad de Genómica Garrahan, Hospital de Pediatría Garrahan
Classification: Benign. Last evaluated: 2024-07-15. Review status: criteria provided, single submitter. Criteria: ACMG Guidelines, 2015. Collection method: clinical testing. Allele origin: germline. Affected: no. Observed: 21 variant alleles.
Comment: This variant is classified as Benign based on local population frequency. This variant was detected in 23% of patients studied in a panel designed for Epileptic and Developmental Encephalopathy and Progressive Myoclonus Epilepsy. Number of patients: 21. Only high quality variants are reported.

GeneDx
Classification: Benign. Last evaluated: 2018-07-15. Review status: criteria provided, single submitter. Criteria: GeneDx Variant Classification Process June 2021. Collection method: clinical testing. Allele origin: germline. Affected: yes.

NM_152743.4(BRAT1):c.1016-124C>T

Gene: BRAT1 (BRCA1 associated ATM activator 1; minus strand). Cytogenetic location: 7p22.3.
Variant type: single nucleotide variant.
Coding change: c.1016-124C>T on transcript NM_152743.4 (MANE Select); 124 bases into the intron before coding-DNA position 1016, C replaced by T.
Molecular consequence: intron variant.
Genome position (GRCh38, 1-based): chr7:2,541,960, G>A on the plus strand (C>T on the coding strand, the complement: BRAT1 is on the minus strand). VCF-style: chr7-2541960-G-A. GRCh37 (hg19) VCF-style: chr7-2581594-G-A.
Other names: c.491-124C>T (NM_001350627.2); c.1016-124C>T (NM_001350626.2).
Identifiers: ClinVar variation 1268167 (VCV001268167.4), dbSNP rs34947605, ClinGen allele CA12494313.